The following is an entry in ClinVar:

ClinVar aggregate classification (germline): Conflicting classifications of pathogenicity. Review status: criteria provided, conflicting classifications (1 of 4 stars). 4 submissions from 4 submitters: Uncertain significance (3); Likely benign (1). Last evaluated 2025-07-22.

Conditions:
APC2-related disorder. Also called: APC2-Related Disorders; APC2-related condition.
Inborn genetic diseases. Identifiers: MedGen C0950123, MeSH D030342.

Allele frequency attached by ClinVar (database versions not stated): TOPMed 0.00005; gnomAD exomes 0.00013; gnomAD 0.00017; 1000 Genomes Project 30x 0.00078.
gnomAD v4.1: 164 of 1,213,212 alleles (0.014%); highest among the groups gnomAD compares: East Asian, 0.9%; 2 homozygotes.

Submissions (4):

PreventionGenetics, part of Exact Sciences
Classification: Likely benign for APC2-related condition. Last evaluated: 2025-07-22. Review status: criteria provided, single submitter. Criteria: ACMG Guidelines, 2015. Collection method: clinical testing. Allele origin: germline.
Comment: This variant is classified as likely benign based on ACMG/AMP sequence variant interpretation guidelines (Richards et al. 2015 PMID: 25741868, with internal and published modifications).

Labcorp Genetics (formerly Invitae), Labcorp
Classification: Uncertain significance. Last evaluated: 2024-04-25. Review status: criteria provided, single submitter. Criteria: Invitae Variant Classification Sherloc (09022015). Collection method: clinical testing. Allele origin: germline.
Comment: This sequence change replaces proline, which is neutral and non-polar, with leucine, which is neutral and non-polar, at codon 2081 of the APC2 protein (p.Pro2081Leu). This variant is not present in population databases (gnomAD no frequency). This variant has not been reported in the literature in individuals affected with APC2-related conditions. ClinVar contains an entry for this variant (Variation ID: 1706423). Advanced modeling of protein sequence and biophysical properties (such as structural, functional, and spatial information, amino acid conservation, physicochemical variation, residue mobility, and thermodynamic stability) has been performed at Invitae for this missense variant, however the output from this modeling did not meet the statistical confidence thresholds required to predict the impact of this variant on APC2 protein function. In summary, the available evidence is currently insufficient to determine the role of this variant in disease. Therefore, it has been classified as a Variant of Uncertain Significance.

Ambry Genetics
Classification: Uncertain significance for Inborn genetic diseases. Last evaluated: 2024-03-16. Review status: criteria provided, single submitter. Criteria: Ambry Variant Classification Scheme 2023. Collection method: clinical testing. Allele origin: germline.

GeneDx
Classification: Uncertain significance. Last evaluated: 2022-09-14. Review status: criteria provided, single submitter. Criteria: GeneDx Variant Classification Process June 2021. Collection method: clinical testing. Allele origin: germline. Affected: yes.
Comment: Not observed at significant frequency in large population cohorts (gnomAD); In silico analysis supports that this missense variant has a deleterious effect on protein structure/function; Has not been previously published as pathogenic or benign to our knowledge

NM_005883.3(APC2):c.6242C>T (p.Pro2081Leu)

Gene: APC2 (APC regulator of Wnt signaling pathway 2; plus strand). Cytogenetic location: 19p13.3.
Variant type: single nucleotide variant.
Coding change: c.6242C>T on transcript NM_005883.3 (MANE Select); coding-DNA position 6242, C replaced by T.
Protein change: p.Pro2081Leu; replaces proline 2081 with leucine.
Molecular consequence: missense variant.
Genome position (GRCh38, 1-based): chr19:1,469,543, C>T. VCF-style: chr19-1469543-C-T. GRCh37 (hg19) VCF-style: chr19-1469542-C-T.
Other names: c.6239C>T, p.Pro2080Leu (NM_001351273.1); short protein forms P2080L, P2081L.
Identifiers: ClinVar variation 1706423 (VCV001706423.6), dbSNP rs77359769, ClinGen allele CA304082216.